The following is an entry in ClinVar:

NM_001267550.2(TTN):c.19541G>T (p.Trp6514Leu)

Gene: TTN (titin; minus strand). Cytogenetic location: 2q31.2.
Variant type: single nucleotide variant.
Coding change: c.19541G>T on transcript NM_001267550.2 (MANE Select); coding-DNA position 19541, G replaced by T.
Protein change: p.Trp6514Leu; replaces tryptophan 6514 with leucine.
Molecular consequence: missense variant. On other transcripts: intron variant (3).
Genome position (GRCh38, 1-based): chr2:178,728,283, C>A on the plus strand (G>T on the coding strand, the complement: TTN is on the minus strand). VCF-style: chr2-178728283-C-A. GRCh37 (hg19) VCF-style: chr2-179593010-C-A.
Other names: p.Trp6197Leu; c.18590G>T, p.Trp6197Leu (NM_001256850.1); c.15809G>T, p.Trp5270Leu (NM_133378.4); c.13282+9799G>T (NM_003319.4); c.13858+9799G>T (NM_133437.4); c.13657+9799G>T (NM_133432.3); short protein forms W6514L, W5270L, W6197L.
Identifiers: ClinVar variation 282626 (VCV000282626.16), dbSNP rs760007747, ClinGen allele CA2001379.

ClinVar aggregate classification (germline): Conflicting classifications of pathogenicity. Review status: criteria provided, conflicting classifications (1 of 4 stars). 8 submissions from 8 submitters: Uncertain significance (6); Likely benign (2). Last evaluated 2026-07-10.

Conditions:
TTN-related disorder. Also called: TTN-related condition; TTN-related disease; TTN-related disorders.

Allele frequency attached by ClinVar (database versions not stated): ExAC 0.00002; gnomAD exomes 0.00002 and 0.00005; TOPMed 0.00003; gnomAD 0.00005 and 0.00006.
gnomAD v4.1: 84 of 1,613,124 alleles (0.0052%); highest among the groups gnomAD compares: Non-Finnish European, 0.0067%; no homozygotes.

Submissions (8):

PreventionGenetics, part of Exact Sciences
Classification: Uncertain significance for TTN-related condition. Last evaluated: 2026-07-10. Review status: criteria provided, single submitter. Criteria: ACMG Guidelines, 2015. Collection method: clinical testing. Allele origin: germline.
Comment: The TTN c.19541G>T variant is predicted to result in the amino acid substitution p.Trp6514Leu. To our knowledge, this variant has not been reported in the literature. This variant is reported in 0.0047% of alleles in individuals of European (Non-Finnish) descent in gnomAD. At this time, the clinical significance of this variant is uncertain due to the absence of conclusive functional and genetic evidence.

ARUP Laboratories, Molecular Genetics and Genomics, ARUP Laboratories
Classification: Uncertain significance. Last evaluated: 2025-05-28. Review status: criteria provided, single submitter. Criteria: ARUP Molecular Germline Variant Investigation Process 2024. Collection method: clinical testing. Allele origin: germline.

Mayo Clinic Laboratories, Mayo Clinic
Classification: Uncertain significance. Last evaluated: 2025-05-08. Review status: criteria provided, single submitter. Criteria: ACMG Guidelines, 2015. Collection method: clinical testing. Allele origin: germline. Observed: 1 variant allele.
Comment: BP1, PP3_moderate

Blueprint Genetics
Classification: Likely benign. Last evaluated: 2024-02-14. Review status: criteria provided, single submitter. Criteria: ACMG Guidelines, 2015. Collection method: clinical testing. Allele origin: germline.

Revvity Omics, Revvity
Classification: Uncertain significance. Last evaluated: 2023-12-05. Review status: criteria provided, single submitter. Criteria: ACMG Guidelines, 2015. Collection method: clinical testing. Allele origin: germline.

Women's Health and Genetics/Laboratory Corporation of America, LabCorp
Classification: Uncertain significance. Last evaluated: 2022-05-02. Review status: criteria provided, single submitter. Criteria: LabCorp Variant Classification Summary - May 2015. Collection method: clinical testing. Allele origin: germline.

GeneDx
Classification: Likely benign. Last evaluated: 2020-12-18. Review status: criteria provided, single submitter. Criteria: GeneDx Variant Classification Process June 2021. Collection method: clinical testing. Allele origin: germline. Affected: yes.

Eurofins Ntd Llc (ga)
Classification: Uncertain significance. Last evaluated: 2015-08-20. Review status: criteria provided, single submitter. Criteria: EGL Classification Definitions 2015. Collection method: clinical testing. Allele origin: germline. Observed: 4 variant alleles, 4 heterozygotes.